The following is an entry in ClinVar:

ClinVar aggregate classification (germline): Likely benign (1 of 4 stars; one submission).

Submission:

CeGaT Center for Human Genetics Tuebingen
Classification: Likely benign. Last evaluated: 2025-12-01. Review status: criteria provided, single submitter. Criteria: CeGaT Center For Human Genetics Tuebingen Variant Classification Criteria Version 2. Collection method: clinical testing. Allele origin: germline. Affected: yes. Observed: 2 variant alleles.
Comment: UBC: BP4, BP7

NM_021009.7(UBC):c.525C>T (p.Ile175=)

Gene: UBC (ubiquitin C; minus strand). Cytogenetic location: 12q24.31.
Variant type: single nucleotide variant.
Coding change: c.525C>T on transcript NM_021009.7 (MANE Select); coding-DNA position 525, C replaced by T.
Protein change: p.Ile175=; no amino-acid change (isoleucine 175 retained).
Molecular consequence: synonymous variant.
Genome position (GRCh38, 1-based): chr12:124,913,247, G>A on the plus strand (C>T on the coding strand, the complement: UBC is on the minus strand). VCF-style: chr12-124913247-G-A. GRCh37 (hg19) VCF-style: chr12-125397793-G-A.
Identifiers: ClinVar variation 4084042 (VCV004084042.8).